The following is an entry in ClinVar:

NM_004859.4(CLTC):c.3568A>G (p.Ile1190Val)

Gene: CLTC (clathrin heavy chain; plus strand). Cytogenetic location: 17q23.1.
Variant type: single nucleotide variant.
Coding change: c.3568A>G on transcript NM_004859.4 (MANE Select); coding-DNA position 3568, A replaced by G.
Protein change: p.Ile1190Val; replaces isoleucine 1190 with valine.
Molecular consequence: missense variant.
Genome position (GRCh38, 1-based): chr17:59,682,396, A>G. VCF-style: chr17-59682396-A-G. GRCh37 (hg19) VCF-style: chr17-57759757-A-G.
Other names: c.3580A>G, p.Ile1194Val (NM_001288653.2); short protein forms I1190V, I1194V.
Identifiers: ClinVar variation 1519447 (VCV001519447.9), dbSNP rs1199094987, ClinGen allele CA400418107.

ClinVar aggregate classification (germline): Uncertain significance. Review status: criteria provided, multiple submitters, no conflicts (2 of 4 stars). 2 submissions from 2 submitters: Uncertain significance (2). Last evaluated 2025-09-04.

Allele frequency attached by ClinVar (database versions not stated): gnomAD exomes below 0.00001; TOPMed below 0.00001; gnomAD 0.00001.
gnomAD v4.1: 10 of 1,614,032 alleles (0.00062%); highest among the groups gnomAD compares: Non-Finnish European, 0.00042%; no homozygotes.

Submissions (2):

Labcorp Genetics (formerly Invitae), Labcorp
Classification: Uncertain significance. Last evaluated: 2025-09-04. Review status: criteria provided, single submitter. Criteria: Invitae Variant Classification Sherloc (09022015). Collection method: clinical testing. Allele origin: germline.
Comment: This sequence change replaces isoleucine, which is neutral and non-polar, with valine, which is neutral and non-polar, at codon 1194 of the CLTC protein (p.Ile1194Val). This variant is not present in population databases (gnomAD no frequency). This variant has not been reported in the literature in individuals affected with CLTC-related conditions. ClinVar contains an entry for this variant (Variation ID: 1519447). Invitae Evidence Modeling of protein sequence and biophysical properties (such as structural, functional, and spatial information, amino acid conservation, physicochemical variation, residue mobility, and thermodynamic stability) indicates that this missense variant is not expected to disrupt CLTC protein function with a negative predictive value of 80%. In summary, the available evidence is currently insufficient to determine the role of this variant in disease. Therefore, it has been classified as a Variant of Uncertain Significance.

Blueprint Genetics
Classification: Uncertain significance. Last evaluated: 2020-10-08. Review status: criteria provided, single submitter. Criteria: ACMG Guidelines, 2015. Collection method: clinical testing. Allele origin: germline.